The following is an entry in ClinVar:

ClinVar aggregate classification (germline): Uncertain significance (1 of 4 stars; one submission).

gnomAD v4.1: 3 of 1,614,006 alleles (0.00019%); highest among the groups gnomAD compares: Non-Finnish European, 0.00025%; no homozygotes.

Submission:

GeneDx
Classification: Uncertain significance. Last evaluated: 2022-04-06. Review status: criteria provided, single submitter. Criteria: GeneDx Variant Classification Process June 2021. Collection method: clinical testing. Allele origin: germline. Affected: yes.
Comment: Not observed at significant frequency in large population cohorts (gnomAD); In silico analysis supports that this missense variant has a deleterious effect on protein structure/function; Has not been previously published as pathogenic or benign to our knowledge

NM_032861.4(SERAC1):c.958C>A (p.Arg320Ser)

Gene: SERAC1 (serine active site containing 1; minus strand). Cytogenetic location: 6q25.3.
Variant type: single nucleotide variant.
Coding change: c.958C>A on transcript NM_032861.4 (MANE Select); coding-DNA position 958, C replaced by A.
Protein change: p.Arg320Ser; replaces arginine 320 with serine.
Molecular consequence: missense variant. On other transcripts: non-coding transcript variant (1).
Genome position (GRCh38, 1-based): chr6:158,128,165, G>T on the plus strand (C>A on the coding strand, the complement: SERAC1 is on the minus strand). VCF-style: chr6-158128165-G-T. GRCh37 (hg19) VCF-style: chr6-158549197-G-T.
Other names: short protein forms R320S.
Identifiers: ClinVar variation 1708899 (VCV001708899.2), dbSNP rs576130525, ClinGen allele CA366259818.